The following is an entry in ClinVar:

ClinVar aggregate classification (germline): Uncertain significance (1 of 4 stars; one submission).

Conditions:
Fanconi anemia (FA). Also called: Fanconi's anemia. Identifiers: Orphanet 84, MedGen C0015625, MeSH D005199, MONDO:0019391.

Submission:

Labcorp Genetics (formerly Invitae), Labcorp
Classification: Uncertain significance for Fanconi anemia. Last evaluated: 2023-11-18. Review status: criteria provided, single submitter. Criteria: Invitae Variant Classification Sherloc (09022015). Collection method: clinical testing. Allele origin: germline.
Comment: This sequence change replaces aspartic acid, which is acidic and polar, with histidine, which is basic and polar, at codon 1702 of the FANCM protein (p.Asp1702His). This variant is not present in population databases (gnomAD no frequency). This variant has not been reported in the literature in individuals affected with FANCM-related conditions. An algorithm developed to predict the effect of missense changes on protein structure and function (PolyPhen-2) suggests that this variant is likely to be disruptive. In summary, the available evidence is currently insufficient to determine the role of this variant in disease. Therefore, it has been classified as a Variant of Uncertain Significance.

NM_020937.4(FANCM):c.5104G>C (p.Asp1702His)

Gene: FANCM (FA complementation group M; plus strand). Cytogenetic location: 14q21.2.
Variant type: single nucleotide variant.
Coding change: c.5104G>C on transcript NM_020937.4 (MANE Select); coding-DNA position 5104, G replaced by C.
Protein change: p.Asp1702His; replaces aspartic acid 1702 with histidine.
Molecular consequence: missense variant.
Genome position (GRCh38, 1-based): chr14:45,189,126, G>C. VCF-style: chr14-45189126-G-C. GRCh37 (hg19) VCF-style: chr14-45658329-G-C.
Other names: c.5026G>C, p.Asp1676His (NM_001308133.2); short protein forms D1676H, D1702H.
Identifiers: ClinVar variation 2796377 (VCV002796377.3), dbSNP rs1033212754, ClinGen allele CA389612431.
Genomic context (GRCh38, chr14:45,189,126, plus strand): 5'-GATAAAAGAGAATCTAATATTGCGGTTAACCCAAGCACTGTTAAGAAGAACAAACAACAG[G>C]ACCATTGTTTAAATTCAGTGCCTTCTGGATCTTCTGCGCAGTCCAAGGTGCGTTCTACTC-3'
Protein context (NP_065988.1, residues 1692-1712): PSTVKKNKQQ[Asp1702His]HCLNSVPSGS